The following is an entry in ClinVar:

NM_138694.4(PKHD1):c.4021C>T (p.Gln1341Ter)

Gene: PKHD1 (PKHD1 ciliary IPT domain containing fibrocystin/polyductin; minus strand). Cytogenetic location: 6p12.2.
Variant type: single nucleotide variant.
Coding change: c.4021C>T on transcript NM_138694.4 (MANE Select); coding-DNA position 4021, C replaced by T.
Protein change: p.Gln1341Ter; replaces glutamine 1341 with a stop codon.
Molecular consequence: nonsense.
Genome position (GRCh38, 1-based): chr6:52,025,789, G>A on the plus strand (C>T on the coding strand, the complement: PKHD1 is on the minus strand). VCF-style: chr6-52025789-G-A. GRCh37 (hg19) VCF-style: chr6-51890587-G-A.
Other names: c.4021C>T, p.Gln1341Ter (NM_170724.3); short protein forms Q1341*.
Identifiers: ClinVar variation 4060389 (VCV004060389.2).

ClinVar aggregate classification (germline): Likely pathogenic (1 of 4 stars; one submission).

Conditions:
Autosomal recessive polycystic kidney disease (ARPKD). Also called: AR polycystic kidney disease. Identifiers: Orphanet 731, Orphanet 8378, MedGen C0085548, MeSH D017044, MONDO:0009889.

gnomAD v4.1: 1 of 1,614,224 alleles (0.000062%); highest among the groups gnomAD compares: Admixed American, 0.0017%; no homozygotes.

Submission:

Natera, Inc.
Classification: Likely pathogenic for Autosomal recessive polycystic kidney disease. Last evaluated: 2025-01-13. Review status: criteria provided, single submitter. Criteria: Natera Variant Classification Schema (03/2026). Collection method: clinical testing. Allele origin: germline.
Comment: The c.4021C>T variant in PKHD1 is a nonsense variant predicted to introduce a stop codon at amino acid 1341. This variant is expected to result in nonsense mediated decay, truncation, or a dysfunctional protein product. This variant is rare in the general population with a frequency below the threshold expected for the associated phenotype(s). Given the available evidence, this variant is classified as Likely Pathogenic.